The following is an entry in ClinVar:

ClinVar aggregate classification (germline): Uncertain significance (1 of 4 stars; one submission).

Conditions:
Early-infantile DEE. Also called: Early infantile epileptic encephalopathy; Ohtahara syndrome; Early infantile epileptic encephalopathy with suppression bursts. Identifiers: Orphanet 1934, MedGen C0393706, MONDO:0800491.

Submission:

Labcorp Genetics (formerly Invitae), Labcorp
Classification: Uncertain significance for Early-infantile DEE. Last evaluated: 2021-02-12. Review status: criteria provided, single submitter. Criteria: Invitae Variant Classification Sherloc (09022015). Collection method: clinical testing. Allele origin: germline.
Comment: Algorithms developed to predict the effect of missense changes on protein structure and function are either unavailable or do not agree on the potential impact of this missense change (SIFT: "Not Available"; PolyPhen-2: "Probably Damaging"; Align-GVGD: "Not Available"). In summary, the available evidence is currently insufficient to determine the role of this variant in disease. Therefore, it has been classified as a Variant of Uncertain Significance. This variant has not been reported in the literature in individuals with SCN1A-related conditions. This sequence change replaces alanine with phenylalanine at codon 1685 of the SCN1A protein (p.Ala1685Phe). The alanine residue is highly conserved and there is a moderate physicochemical difference between alanine and phenylalanine. The frequency data for this variant in the population databases is not available, as this variant may be reported as separate entries in the ExAC database.

NM_001165963.4(SCN1A):c.5053_5054delinsTT (p.Ala1685Phe)

Genes: SCN1A (sodium voltage-gated channel alpha subunit 1; minus strand), LOC102724058 (uncharacterized LOC102724058; plus strand). Cytogenetic location: 2q24.3.
Variant type: Indel.
Coding change: c.5053_5054delinsTT on transcript NM_001165963.4 (MANE Select); coding-DNA positions 5053 to 5054, GC replaced by TT.
Protein change: p.Ala1685Phe; replaces alanine 1685 with phenylalanine.
Molecular consequence: missense variant. On other transcripts: non-coding transcript variant (1).
Genome position (GRCh38, 1-based): chr2:165,992,221-165,992,222, GC replaced by AA on the plus strand (GC replaced by TT on the coding strand, the reverse complement: SCN1A is on the minus strand). VCF-style: chr2-165992221-GC-AA. GRCh37 (hg19) VCF-style: chr2-166848731-GC-AA.
Other names: c.4969_4970delinsTT, p.Ala1657Phe (NM_001165964.3, NM_001353957.2, NM_001353958.2); c.5053_5054delinsTT, p.Ala1685Phe (NM_001202435.3, NM_001353948.2); c.5020_5021delinsTT, p.Ala1674Phe (NM_001353949.2, NM_001353950.2, NM_001353951.2 and 2 more transcripts); c.5017_5018delinsTT, p.Ala1673Phe (NM_001353954.2, NM_001353955.2); c.4966_4967delinsTT, p.Ala1656Phe (NM_001353960.2); c.2611_2612delinsTT, p.Ala871Phe (NM_001353961.2); short protein forms A1657F, A1674F, A871F, A1673F, A1685F, A1656F.
Identifiers: ClinVar variation 1460647 (VCV001460647.7), dbSNP rs2105433023, ClinGen allele CA2573133696.